The following is an entry in ClinVar:

NM_001360.3(DHCR7):c.522C>T (p.Phe174=)

Gene: DHCR7 (7-dehydrocholesterol reductase; minus strand). Cytogenetic location: 11q13.4.
Variant type: single nucleotide variant.
Coding change: c.522C>T on transcript NM_001360.3 (MANE Select); coding-DNA position 522, C replaced by T.
Protein change: p.Phe174=; no amino-acid change (phenylalanine 174 retained).
Molecular consequence: synonymous variant.
Genome position (GRCh38, 1-based): chr11:71,441,331, G>A on the plus strand (C>T on the coding strand, the complement: DHCR7 is on the minus strand). VCF-style: chr11-71441331-G-A. GRCh37 (hg19) VCF-style: chr11-71152377-G-A.
Other names: c.522C>T, p.Phe174= (NM_001163817.2).
Identifiers: ClinVar variation 166987 (VCV000166987.20), dbSNP rs140648594, ClinGen allele CA233881.
Genomic context (GRCh38, chr11:71,441,331, plus strand): 5'-GAAGGTGGAGACGGCATAGCCAAGGATGTTGGCGCACCACAGCAGTGGGATCCAGTTGTC[G>A]AAGATGATGGTGGGCGAGAACCAGGACAGGAGATGAGCGTTTGCAAACCAGAGCAGGTGC-3'
Protein context (NP_001351.2, residues 164-184): LLSWFSPTII[Phe174=]DNWIPLLWCA

ClinVar aggregate classification (germline): Conflicting classifications of pathogenicity. Review status: criteria provided, conflicting classifications (1 of 4 stars). 6 submissions from 6 submitters: Uncertain significance (1); Likely benign (4). 1 of the submissions does not count toward it. Last evaluated 2026-01-12.

Conditions:
DHCR7-related disorder. Also called: DHCR7-related condition.
Inborn genetic diseases. Identifiers: MedGen C0950123, MeSH D030342.
Smith-Lemli-Opitz syndrome (SLOS). Also called: 7-Dehydrocholesterol reductase deficiency; POLYDACTYLY, SEX REVERSAL, RENAL HYPOPLASIA, AND UNILOBAR LUNG; RSH SYNDROME; RUTLEDGE LETHAL MULTIPLE CONGENITAL ANOMALY SYNDROME; LETHAL ACRODYSGENITAL SYNDROME. Identifiers: Orphanet 818, MedGen C0175694, MONDO:0010035, OMIM 270400.

Allele frequency attached by ClinVar (database versions not stated): ExAC 0.00002; gnomAD exomes 0.00002 and 0.00005; gnomAD 0.00005 and 0.00006; TOPMed 0.00007; ESP Exome Variant Server 0.00015.
gnomAD v4.1: 79 of 1,614,102 alleles (0.0049%); highest among the groups gnomAD compares: Middle Eastern, 0.066%; no homozygotes.

Submissions (6):

Ambry Genetics
Classification: Likely benign for Inborn genetic diseases. Last evaluated: 2026-01-12. Review status: criteria provided, single submitter. Criteria: Ambry Variant Classification Scheme 2023. Collection method: clinical testing. Allele origin: germline.

Labcorp Genetics (formerly Invitae), Labcorp
Classification: Likely benign for Smith-Lemli-Opitz syndrome. Last evaluated: 2025-10-13. Review status: criteria provided, single submitter. Criteria: Invitae Variant Classification Sherloc (09022015). Collection method: clinical testing. Allele origin: germline.

PreventionGenetics, part of Exact Sciences
Classification: Likely benign for DHCR7-related condition. Last evaluated: 2024-10-09. Review status: criteria provided, single submitter. Criteria: ACMG Guidelines, 2015. Collection method: clinical testing. Allele origin: germline.
Comment: This variant is classified as likely benign based on ACMG/AMP sequence variant interpretation guidelines (Richards et al. 2015 PMID: 25741868, with internal and published modifications).

GeneDx
Classification: Likely benign. Last evaluated: 2021-04-26. Review status: criteria provided, single submitter. Criteria: GeneDx Variant Classification Process June 2021. Collection method: clinical testing. Allele origin: germline. Affected: yes.

Eurofins Ntd Llc (ga)
Classification: Uncertain significance. Last evaluated: 2018-09-13. Review status: criteria provided, single submitter. Criteria: EGL ClinVar v180209 classification definitions. Collection method: clinical testing. Allele origin: germline. Observed: 3 variant alleles, 3 heterozygotes.

Natera, Inc.
Classification: Likely benign for Smith-Lemli-Opitz syndrome. Last evaluated: 2020-09-16. Review status: no assertion criteria provided. Collection method: clinical testing. Allele origin: germline. Not counted in ClinVar's aggregate classification.